The following is an entry in ClinVar:

NM_000342.4(SLC4A1):c.1036C>T (p.Arg346Cys)

Gene: SLC4A1 (solute carrier family 4 member 1 (Diego blood group); minus strand). Cytogenetic location: 17q21.31.
Variant type: single nucleotide variant.
Coding change: c.1036C>T on transcript NM_000342.4 (MANE Select); coding-DNA position 1036, C replaced by T.
Protein change: p.Arg346Cys; replaces arginine 346 with cysteine.
Molecular consequence: missense variant.
Genome position (GRCh38, 1-based): chr17:44,258,464, G>A on the plus strand (C>T on the coding strand, the complement: SLC4A1 is on the minus strand). VCF-style: chr17-44258464-G-A. GRCh37 (hg19) VCF-style: chr17-42335832-G-A.
Other names: c.1036C>T (NM_000342.3); short protein forms R346C.
Identifiers: ClinVar variation 2436045 (VCV002436045.6), dbSNP rs371106409, ClinGen allele CA290931957.
Genomic context (GRCh38, chr17:44,258,464, plus strand): 5'-GGCAGGTACCTAGGCCCTTGTAGAAGCTGGAGTCTGGCTTGGCAGGGCTGGACTGATAGC[G>A]CCTTCGAAGTAGCTCCCTCTGCACAGGCACCAGACTGAGCAGTGCCTGCTCGGAGGGGGC-3'
Protein context (NP_000333.1, residues 336-356): VPVQRELLRR[Arg346Cys]YQSSPAKPDS

ClinVar aggregate classification (germline): Uncertain significance. Review status: criteria provided, multiple submitters, no conflicts (2 of 4 stars). 3 submissions from 3 submitters: Uncertain significance (3). Last evaluated 2024-11-01.

Allele frequency attached by ClinVar (database versions not stated): gnomAD exomes 0.00001; gnomAD 0.00002; TOPMed 0.00003; ESP Exome Variant Server 0.00015.
gnomAD v4.1: 24 of 1,613,878 alleles (0.0015%); highest among the groups gnomAD compares: East Asian, 0.0067%; no homozygotes.

Submissions (3):

Labcorp Genetics (formerly Invitae), Labcorp
Classification: Uncertain significance. Last evaluated: 2024-11-01. Review status: criteria provided, single submitter. Criteria: Invitae Variant Classification Sherloc (09022015). Collection method: clinical testing. Allele origin: germline.
Comment: This sequence change replaces arginine, which is basic and polar, with cysteine, which is neutral and slightly polar, at codon 346 of the SLC4A1 protein (p.Arg346Cys). This variant is present in population databases (rs371106409, gnomAD 0.007%). This variant has not been reported in the literature in individuals affected with SLC4A1-related conditions. ClinVar contains an entry for this variant (Variation ID: 2436045). Invitae Evidence Modeling of protein sequence and biophysical properties (such as structural, functional, and spatial information, amino acid conservation, physicochemical variation, residue mobility, and thermodynamic stability) indicates that this missense variant is not expected to disrupt SLC4A1 protein function with a negative predictive value of 95%. In summary, the available evidence is currently insufficient to determine the role of this variant in disease. Therefore, it has been classified as a Variant of Uncertain Significance.

GeneDx
Classification: Uncertain significance. Last evaluated: 2022-08-29. Review status: criteria provided, single submitter. Criteria: GeneDx Variant Classification Process June 2021. Collection method: clinical testing. Allele origin: germline. Affected: yes.
Comment: In silico analysis supports that this missense variant has a deleterious effect on protein structure/function; Has not been previously published as pathogenic or benign to our knowledge

Revvity Omics, Revvity
Classification: Uncertain significance. Last evaluated: 2022-03-10. Review status: criteria provided, single submitter. Criteria: ACMG Guidelines, 2015. Collection method: clinical testing. Allele origin: germline.